The following is an entry in ClinVar:

ClinVar aggregate classification (germline): Uncertain significance (1 of 4 stars; one submission).

gnomAD v4.1: 10 of 1,612,106 alleles (0.00062%); highest among the groups gnomAD compares: Non-Finnish European, 0.00076%; no homozygotes.

Submission:

GeneDx
Classification: Uncertain significance. Last evaluated: 2024-04-19. Review status: criteria provided, single submitter. Criteria: GeneDx Variant Classification Process June 2021. Collection method: clinical testing. Allele origin: germline. Affected: yes.
Comment: Not observed at significant frequency in large population cohorts (gnomAD); Missense variant in a gene in which most reported pathogenic variants are truncating/loss of function; Has not been previously published as pathogenic or benign to our knowledge

NM_001267550.2(TTN):c.54755C>T (p.Ala18252Val)

Genes: TTN (titin; minus strand), TTN-AS1 (TTN antisense RNA 1; plus strand). Cytogenetic location: 2q31.2.
Variant type: single nucleotide variant.
Coding change: c.54755C>T on transcript NM_001267550.2 (MANE Select); coding-DNA position 54755, C replaced by T.
Protein change: p.Ala18252Val; replaces alanine 18252 with valine.
Molecular consequence: missense variant.
Genome position (GRCh38, 1-based): chr2:178,603,932, G>A on the plus strand (C>T on the coding strand, the complement: TTN is on the minus strand). VCF-style: chr2-178603932-G-A. GRCh37 (hg19) VCF-style: chr2-179468659-G-A.
Other names: c.49832C>T, p.Ala16611Val (NM_001256850.1); c.27560C>T, p.Ala9187Val (NM_003319.4); c.47051C>T, p.Ala15684Val (NM_133378.4); c.27935C>T, p.Ala9312Val (NM_133432.3); c.28136C>T, p.Ala9379Val (NM_133437.4); short protein forms A15684V, A16611V, A18252V, A9187V, A9312V, A9379V.
Identifiers: ClinVar variation 3372737 (VCV003372737.1).